The following is an entry in ClinVar:

NM_000548.5(TSC2):c.4029G>C (p.Glu1343Asp)

Gene: TSC2 (TSC complex subunit 2; plus strand). Cytogenetic location: 16p13.3.
Variant type: single nucleotide variant.
Coding change: c.4029G>C on transcript NM_000548.5 (MANE Select); coding-DNA position 4029, G replaced by C.
Protein change: p.Glu1343Asp; replaces glutamic acid 1343 with aspartic acid.
Molecular consequence: missense variant.
Genome position (GRCh38, 1-based): chr16:2,084,251, G>C. VCF-style: chr16-2084251-G-C. GRCh37 (hg19) VCF-style: chr16-2134252-G-C.
Other names: p.E1343D:GAG>GAC; c.3828G>C, p.Glu1276Asp (NM_001077183.3); c.3960G>C, p.Glu1320Asp (NM_001114382.3); c.3720G>C, p.Glu1240Asp (NM_001318827.2); c.3684G>C, p.Glu1228Asp (NM_001318829.2); c.3297G>C, p.Glu1099Asp (NM_001318831.2); c.3861G>C, p.Glu1287Asp (NM_001318832.2); c.3831G>C, p.Glu1277Asp (NM_001363528.2); and 2 more; short protein forms E1343D, E1228D, E1240D, E1276D, E1320D, E1299D, E1099D, E1277D.
Identifiers: ClinVar variation 207679 (VCV000207679.18), dbSNP rs752502287, ClinGen allele CA050218.

ClinVar aggregate classification (germline): Conflicting classifications of pathogenicity. Review status: criteria provided, conflicting classifications (1 of 4 stars). 6 submissions from 6 submitters: Uncertain significance (1); Benign (1); Likely benign (4). Last evaluated 2026-01-13.

Conditions:
Tuberous sclerosis syndrome (TSC). Also called: Tuberous Sclerosis Complex; Tuberous sclerosis. Identifiers: Orphanet 805, MedGen C0041341, MONDO:0001734.
Hereditary cancer-predisposing syndrome. Also called: Neoplastic Syndromes, Hereditary; Hereditary Cancer Syndrome; Tumor predisposition; Hereditary neoplastic syndrome. Identifiers: Orphanet 140162, MedGen C0027672, MeSH D009386, MONDO:0015356.
Tuberous sclerosis 2 (TSC2). Identifiers: Orphanet 805, MedGen C1860707, MONDO:0013199, OMIM 613254.

Allele frequency attached by ClinVar (database versions not stated): ExAC 0.00002.
gnomAD v4.1: 14 of 1,602,400 alleles (0.00087%); highest among the groups gnomAD compares: South Asian, 0.015%; no homozygotes.

Submissions (6):

Labcorp Genetics (formerly Invitae), Labcorp
Classification: Benign for Tuberous sclerosis 2. Last evaluated: 2026-01-13. Review status: criteria provided, single submitter. Criteria: Invitae Variant Classification Sherloc (09022015). Collection method: clinical testing. Allele origin: germline.

Cambridge Genomics Laboratory, East Genomic Laboratory Hub, NHS Genomic Medicine Service
Classification: Uncertain significance for Tuberous sclerosis. Last evaluated: 2025-03-04. Review status: criteria provided, single submitter. Criteria: ACGS Best Practice Guidelines for Variant Classification in Rare Disease 2020. Collection method: clinical testing. Allele origin: germline. Affected: yes.
Comment: PP4

Myriad Genetics, Inc.
Classification: Likely benign for Tuberous sclerosis 2. Last evaluated: 2024-08-20. Review status: criteria provided, single submitter. Criteria: Myriad Autosomal Dominant, Autosomal Recessive and X-Linked Classification Criteria (2023). Collection method: clinical testing. Allele origin: unknown.
Comment: This variant is considered likely benign. This variant has been observed at a population frequency that is significantly greater than expected given the associated disease prevalence and penetrance.

Ambry Genetics
Classification: Likely benign for Hereditary cancer-predisposing syndrome. Last evaluated: 2022-04-26. Review status: criteria provided, single submitter. Criteria: Ambry Variant Classification Scheme 2023. Collection method: clinical testing. Allele origin: germline.

Genome-Nilou Lab
Classification: Likely benign for Tuberous sclerosis 2. Last evaluated: 2021-11-07. Review status: criteria provided, single submitter. Criteria: ACMG Guidelines, 2015. Collection method: clinical testing. Allele origin: germline. Affected: no.

GeneDx
Classification: Likely benign. Last evaluated: 2014-07-03. Review status: criteria provided, single submitter. Criteria: GeneDx Variant Classification (06012015). Collection method: clinical testing. Allele origin: germline. Affected: yes.
Comment: This variant is considered likely benign or benign based on one or more of the following criteria: it is a conservative change, it occurs at a poorly conserved position in the protein, it is predicted to be benign by multiple in silico algorithms, and/or has population frequency not consistent with disease.